The following is an entry in ClinVar:

NM_015450.3(POT1):c.781T>G (p.Leu261Val)

Gene: POT1 (protection of telomeres 1; minus strand). Cytogenetic location: 7q31.33.
Variant type: single nucleotide variant.
Coding change: c.781T>G on transcript NM_015450.3 (MANE Select); coding-DNA position 781, T replaced by G.
Protein change: p.Leu261Val; replaces leucine 261 with valine.
Molecular consequence: missense variant. On other transcripts: non-coding transcript variant (3).
Genome position (GRCh38, 1-based): chr7:124,853,060, A>C on the plus strand (T>G on the coding strand, the complement: POT1 is on the minus strand). VCF-style: chr7-124853060-A-C. GRCh37 (hg19) VCF-style: chr7-124493114-A-C.
Other names: c.388T>G, p.Leu130Val (NM_001042594.2); short protein forms L261V, L130V.
Identifiers: ClinVar variation 3782010 (VCV003782010.1).

ClinVar aggregate classification (germline): Uncertain significance (1 of 4 stars; one submission).

Conditions:
Hereditary cancer-predisposing syndrome. Also called: Neoplastic Syndromes, Hereditary; Hereditary Cancer Syndrome; Tumor predisposition; Hereditary neoplastic syndrome. Identifiers: Orphanet 140162, MedGen C0027672, MeSH D009386, MONDO:0015356.

Submission:

Ambry Genetics
Classification: Uncertain significance for Hereditary cancer-predisposing syndrome. Last evaluated: 2025-02-16. Review status: criteria provided, single submitter. Criteria: Ambry Variant Classification Scheme 2023. Collection method: clinical testing. Allele origin: germline.
Comment: The p.L261V variant (also known as c.781T>G), located in coding exon 6 of the POT1 gene, results from a T to G substitution at nucleotide position 781. The leucine at codon 261 is replaced by valine, an amino acid with highly similar properties. This amino acid position is conserved. In addition, this alteration is predicted to be tolerated by in silico analysis. Based on the available evidence, the clinical significance of this variant remains unclear.